The following is an entry in ClinVar:

ClinVar aggregate classification (germline): Uncertain significance (1 of 4 stars; one submission).

Conditions:
Osteogenesis imperfecta with normal sclerae, dominant form (OI4). Also called: OSTEOGENESIS IMPERFECTA, TYPE IV, WITH DENTINOGENESIS IMPERFECTA; OSTEOGENESIS IMPERFECTA WITH NORMAL SCLERAE; Common Variable Osteogenesis Imperfecta with Normal Sclerae; Osteogenesis Imperfecta Type IV; Osteogenesis imperfecta type 4. Identifiers: Orphanet 216820, Orphanet 666, MedGen C0268363, MONDO:0008148, OMIM 166220.
Infantile cortical hyperostosis. Also called: P1PK BLOOD GROUP SYSTEM, P(2) PHENOTYPE; Hyperostosis, Cortical, Congenital; Caffey Disease. Identifiers: Orphanet 1310, MedGen C0020497, MONDO:0007244, OMIM 114000.
Osteogenesis imperfecta type I (OI1). Also called: OI, TYPE I; OSTEOGENESIS IMPERFECTA TARDA; OSTEOGENESIS IMPERFECTA WITH BLUE SCLERAE; Classic Non-deforming Osteogenesis Imperfecta with Blue Sclerae; Lobstein disease; Osteogenesis imperfecta type 1. Identifiers: Orphanet 216796, Orphanet 666, MedGen C0023931, MONDO:0008146, OMIM 166200. Disease mechanism: loss of function.
Osteogenesis imperfecta, perinatal lethal (OI2). Also called: Osteogenesis imperfecta, dominant perinatal lethal; OSTEOGENESIS IMPERFECTA, TYPE II; OI, TYPE II; OSTEOGENESIS IMPERFECTA CONGENITA; VROLIK TYPE OF OSTEOGENESIS IMPERFECTA; Osteogenesis imperfecta type 2. Identifiers: Orphanet 216804, MedGen C0268358, MONDO:0008147, OMIM 166210.
Osteogenesis imperfecta type III (OI3). Also called: Progressively Deforming Osteogenesis Imperfecta; Osteogenesis imperfecta type 3; OI type 3; Osteogenesis imperfecta, progressively deforming with normal sclerae; OI type III. Identifiers: Orphanet 216812, Orphanet 666, MedGen C0268362, MONDO:0009804, OMIM 259420.
Combined osteogenesis imperfecta and Ehlers-Danlos syndrome 1. Also called: OIEDS SYNDROME 1. Identifiers: MedGen C5436842, MONDO:0030854, OMIM 619115.

Submission:

Division Of Personalized Genomic Medicine, Columbia University Irving Medical Center
Classification: Uncertain significance for Infantile cortical hyperostosis; Combined osteogenesis imperfecta and Ehlers-Danlos syndrome 1; Osteogenesis imperfecta type I; Osteogenesis imperfecta, perinatal lethal; Osteogenesis imperfecta type III; Osteogenesis imperfecta with normal sclerae, dominant form. Last evaluated: 2021-12-17. Review status: criteria provided, single submitter. Criteria: ACMG Guidelines, 2015. Collection method: clinical testing. Allele origin: paternal. Inheritance: Autosomal dominant inheritance. Observed: 1 heterozygote.
Comment: The c.1461+5G>A variant is an intronic variant that results in a single base pair substitution at nucleotide c.1461+5 in _x000D_intron 21 of 50 of the COL1A1 gene. This variant has been reported in an individual with a diagnosis of osteogenesis _x000D_imperfecta type IV (PMID: 25963598). Functional analysis (cDNA sequencing of patient-derived cultured dermal_x000D_fibroblasts) demonstrated that this variant leads to skipping of exon 21, though the possibility that the original splice _x000D_donor site may be used in some transcripts and only a small portion of transcripts may lack exon 21 cannot be excluded_x000D_(PMID: 25963598). This variant is absent in the Genome Aggregation Database (gnomAD), indicating it is not a_x000D_ common benign variant in the populations represented in this database.

Literature cited by the submitters: PubMed 25963598.

NM_000088.4(COL1A1):c.1461+5G>A

Gene: COL1A1 (collagen type I alpha 1 chain; minus strand). Cytogenetic location: 17q21.33.
Variant type: single nucleotide variant.
Coding change: c.1461+5G>A on transcript NM_000088.4 (MANE Select); 5 bases into the intron after coding-DNA position 1461, G replaced by A.
Molecular consequence: intron variant.
Genome position (GRCh38, 1-based): chr17:50,194,716, C>T on the plus strand (G>A on the coding strand, the complement: COL1A1 is on the minus strand). VCF-style: chr17-50194716-C-T. GRCh37 (hg19) VCF-style: chr17-48272077-C-T.
Identifiers: ClinVar variation 2674616 (VCV002674616.1), dbSNP rs1378043535, ClinGen allele CA2695200281.